The following is an entry in ClinVar:

NM_025257.3(SLC44A4):c.1132T>C (p.Tyr378His)

Gene: SLC44A4 (solute carrier family 44 member 4; minus strand). Cytogenetic location: 6p21.33.
Variant type: single nucleotide variant.
Coding change: c.1132T>C on transcript NM_025257.3 (MANE Select); coding-DNA position 1132, T replaced by C.
Protein change: p.Tyr378His; replaces tyrosine 378 with histidine.
Molecular consequence: missense variant.
Genome position (GRCh38, 1-based): chr6:31,869,256, A>G on the plus strand (T>C on the coding strand, the complement: SLC44A4 is on the minus strand). VCF-style: chr6-31869256-A-G. GRCh37 (hg19) VCF-style: chr6-31837033-A-G.
Other names: c.1006T>C, p.Tyr336His (NM_001178044.2); c.904T>C, p.Tyr302His (NM_001178045.2); short protein forms Y336H, Y302H, Y378H.
Identifiers: ClinVar variation 4996718 (VCV004996718.1).
Genomic context (GRCh38, chr6:31,869,256, plus strand): 5'-CGGGGGAGCTGATGTTGGATGCCCAGAGCACATACTGGGGTTGCCCCGATGTAGCCAGGT[A>G]CCCAGAGGGGAGTCAAGGAAAGCATGATCACACGAGGTCTCCACAGGTCACTCGCTCCTT-3'
Protein context (NP_079533.2, residues 368-388): CIAYWAMTAL[Tyr378His]LATSGQPQYV

ClinVar aggregate classification (germline): Uncertain significance (1 of 4 stars; one submission).

Conditions:
SLC44A4-related disorder. Also called: SLC44A4-related condition.

gnomAD v4.1: 6 of 1,602,336 alleles (0.00037%); highest among the groups gnomAD compares: Non-Finnish European, 0.00043%; no homozygotes.

Submission:

PreventionGenetics, part of Exact Sciences
Classification: Uncertain significance for SLC44A4-related condition. Last evaluated: 2025-11-13. Review status: criteria provided, single submitter. Criteria: ACMG Guidelines, 2015. Collection method: clinical testing. Allele origin: germline.
Comment: The SLC44A4 c.1132T>C variant is predicted to result in the amino acid substitution p.Tyr378His. To our knowledge, this variant has not been reported in the literature. This variant is reported in 0.0047% of alleles in individuals of European (Finnish) descent in gnomAD. At this time, the clinical significance of this variant is uncertain due to the absence of conclusive functional and genetic evidence.